The following is an entry in ClinVar:

ClinVar aggregate classification (germline): Uncertain significance (1 of 4 stars; one submission).

Conditions:
Dilated cardiomyopathy 1G (CMD1G). Identifiers: Orphanet 154, MedGen C1858763, MONDO:0011400, OMIM 604145.
Autosomal recessive limb-girdle muscular dystrophy type 2J (LGMDR10). Also called: Limb-girdle muscular dystrophy, type 2J; MUSCULAR DYSTROPHY, LIMB-GIRDLE, AUTOSOMAL RECESSIVE 10. Identifiers: Orphanet 140922, MedGen C1837342, MONDO:0012127, OMIM 608807.

gnomAD v4.1: 1 of 1,613,970 alleles (0.000062%); highest among the groups gnomAD compares: Non-Finnish European, 0.000085%; no homozygotes.

Submission:

Labcorp Genetics (formerly Invitae), Labcorp
Classification: Uncertain significance for Dilated cardiomyopathy 1G; Autosomal recessive limb-girdle muscular dystrophy type 2J. Last evaluated: 2021-04-15. Review status: criteria provided, single submitter. Criteria: Invitae Variant Classification Sherloc (09022015). Collection method: clinical testing. Allele origin: germline.
Comment: In summary, the available evidence is currently insufficient to determine the role of this variant in disease. Therefore, it has been classified as a Variant of Uncertain Significance. Experimental studies and prediction algorithms are not available or were not evaluated, and the functional significance of this variant is currently unknown. This variant is located in the M band of TTN (PMID: 25589632). Variants in this region may be relevant for neuromuscular disorders, but have not been definitively shown to cause cardiomyopathy (PMID: 23975875). This variant has not been reported in the literature in individuals with TTN-related conditions. This variant is not present in population databases (ExAC no frequency). This sequence change replaces serine with asparagine at codon 35310 of the TTN protein (p.Ser35310Asn). There is a small physicochemical difference between serine and asparagine.

Literature cited by the submitters: PubMed 25589632; PubMed 23975875.

NM_001267550.2(TTN):c.105929G>A (p.Ser35310Asn)

Genes: TTN (titin; minus strand), TTN-AS1 (TTN antisense RNA 1; plus strand), LOC129935183 (ATAC-STARR-seq lymphoblastoid active region 16808; plus strand). Cytogenetic location: 2q31.2.
Variant type: single nucleotide variant.
Coding change: c.105929G>A on transcript NM_001267550.2 (MANE Select); coding-DNA position 105929, G replaced by A.
Protein change: p.Ser35310Asn; replaces serine 35310 with asparagine.
Molecular consequence: missense variant.
Genome position (GRCh38, 1-based): chr2:178,530,686, C>T on the plus strand (G>A on the coding strand, the complement: TTN is on the minus strand). VCF-style: chr2-178530686-C-T. GRCh37 (hg19) VCF-style: chr2-179395413-C-T.
Other names: c.101006G>A, p.Ser33669Asn (NM_001256850.1); c.78734G>A, p.Ser26245Asn (NM_003319.4); c.98225G>A, p.Ser32742Asn (NM_133378.4); c.79109G>A, p.Ser26370Asn (NM_133432.3); c.79310G>A, p.Ser26437Asn (NM_133437.4); short protein forms S26370N, S26437N, S26245N, S32742N, S33669N, S35310N.
Identifiers: ClinVar variation 1508860 (VCV001508860.4), dbSNP rs1553484229, ClinGen allele CA349407433.
Genomic context (GRCh38, chr2:178,530,686, plus strand): 5'-CCATTTTCCTTCAGTTTCTTGCCATCTTTATACCAGGTGACCTCTTTTGCCCTTAATACA[C>T]TGCTTTCAACCACACAGGTCAGTTTTGCAATCTCTTTAGAAGCTTCTGCTTTCAGGAACT-3'
Protein context (NP_001254479.2, residues 35300-35320): IAKLTCVVES[Ser35310Asn]VLRAKEVTWY